The following is an entry in ClinVar:

NM_144773.4(PROKR2):c.904C>T (p.Pro302Ser)

Gene: PROKR2 (prokineticin receptor 2; minus strand). Cytogenetic location: 20p12.3.
Variant type: single nucleotide variant.
Coding change: c.904C>T on transcript NM_144773.4 (MANE Select); coding-DNA position 904, C replaced by T.
Protein change: p.Pro302Ser; replaces proline 302 with serine.
Molecular consequence: missense variant.
Genome position (GRCh38, 1-based): chr20:5,302,291, G>A on the plus strand (C>T on the coding strand, the complement: PROKR2 is on the minus strand). VCF-style: chr20-5302291-G-A. GRCh37 (hg19) VCF-style: chr20-5282937-G-A.
Other names: short protein forms P302S.
Identifiers: ClinVar variation 2910459 (VCV002910459.3), dbSNP rs199958585, ClinGen allele CA311166502.
Genomic context (GRCh38, chr20:5,302,291, plus strand): 5'-CGATGCACTCGACCACGTAGAAGGCAGTGAGGTAGTGCTTTTCCTTCACGAACACAGTGG[G>A]GAAGAAGTCACGAACGATGGTGAAACCGTAGAAGGGTGCCCAGCACAGCACATAGGCCGT-3'
Protein context (NP_658986.1, residues 292-312): YGFTIVRDFF[Pro302Ser]TVFVKEKHYL

ClinVar aggregate classification (germline): Uncertain significance (1 of 4 stars; one submission).

Allele frequency attached by ClinVar (database versions not stated): gnomAD exomes 0.00001; gnomAD 0.00003; ESP Exome Variant Server 0.00008.
gnomAD v4.1: 12 of 1,614,118 alleles (0.00074%); highest among the groups gnomAD compares: African/African-American, 0.008%; no homozygotes.

Submission:

Labcorp Genetics (formerly Invitae), Labcorp
Classification: Uncertain significance. Last evaluated: 2023-06-27. Review status: criteria provided, single submitter. Criteria: Invitae Variant Classification Sherloc (09022015). Collection method: clinical testing. Allele origin: germline.
Comment: Advanced modeling of protein sequence and biophysical properties (such as structural, functional, and spatial information, amino acid conservation, physicochemical variation, residue mobility, and thermodynamic stability) has been performed at Invitae for this missense variant, however the output from this modeling did not meet the statistical confidence thresholds required to predict the impact of this variant on PROKR2 protein function. This variant has not been reported in the literature in individuals affected with PROKR2-related conditions. This variant is present in population databases (rs199958585, gnomAD 0.01%). This sequence change replaces proline, which is neutral and non-polar, with serine, which is neutral and polar, at codon 302 of the PROKR2 protein (p.Pro302Ser). Experimental studies have shown that this missense change affects PROKR2 function (PMID: 29161432). In summary, the available evidence is currently insufficient to determine the role of this variant in disease. Therefore, it has been classified as a Variant of Uncertain Significance.

Literature cited by the submitters: PubMed 29161432.